The following is an entry in ClinVar:

NM_001256789.3(CACNA1F):c.2427G>T (p.Glu809Asp)

Gene: CACNA1F (calcium voltage-gated channel subunit alpha1 F; minus strand). Cytogenetic location: Xp11.23.
Variant type: single nucleotide variant.
Coding change: c.2427G>T on transcript NM_001256789.3 (MANE Select); coding-DNA position 2427, G replaced by T.
Protein change: p.Glu809Asp; replaces glutamic acid 809 with aspartic acid.
Molecular consequence: missense variant.
Genome position (GRCh38, 1-based): chrX:49,219,750, C>A on the plus strand (G>T on the coding strand, the complement: CACNA1F is on the minus strand). VCF-style: chrX-49219750-C-A. GRCh37 (hg19) VCF-style: chrX-49076209-C-A.
Other names: c.2265G>T, p.Glu755Asp (NM_001256790.3); c.2460G>T, p.Glu820Asp (NM_005183.4); short protein forms E809D, E755D, E820D.
Identifiers: ClinVar variation 844509 (VCV000844509.9), dbSNP rs146516514, ClinGen allele CA412965716.

ClinVar aggregate classification (germline): Uncertain significance (1 of 4 stars; one submission).

Allele frequency attached by ClinVar (database versions not stated): TOPMed 0.00002.
gnomAD v4.1: 4 of 1,122,612 alleles (0.00036%); highest among the groups gnomAD compares: African/African-American, 0.0081%; no homozygotes.

Submission:

Labcorp Genetics (formerly Invitae), Labcorp
Classification: Uncertain significance. Last evaluated: 2022-09-27. Review status: criteria provided, single submitter. Criteria: Invitae Variant Classification Sherloc (09022015). Collection method: clinical testing. Allele origin: germline.
Comment: ClinVar contains an entry for this variant (Variation ID: 844509). This sequence change replaces glutamic acid, which is acidic and polar, with aspartic acid, which is acidic and polar, at codon 820 of the CACNA1F protein (p.Glu820Asp). The frequency data for this variant in the population databases is considered unreliable, as metrics indicate poor data quality at this position in the gnomAD database. This variant has not been reported in the literature in individuals affected with CACNA1F-related conditions. Advanced modeling of protein sequence and biophysical properties (such as structural, functional, and spatial information, amino acid conservation, physicochemical variation, residue mobility, and thermodynamic stability) performed at Invitae indicates that this missense variant is not expected to disrupt CACNA1F protein function. In summary, the available evidence is currently insufficient to determine the role of this variant in disease. Therefore, it has been classified as a Variant of Uncertain Significance.